The following is an entry in ClinVar:

NM_000180.4(GUCY2D):c.596G>A (p.Arg199His)

Gene: GUCY2D (guanylate cyclase 2D, retinal; plus strand). Cytogenetic location: 17p13.1.
Variant type: single nucleotide variant.
Coding change: c.596G>A on transcript NM_000180.4 (MANE Select); coding-DNA position 596, G replaced by A.
Protein change: p.Arg199His; replaces arginine 199 with histidine.
Molecular consequence: missense variant.
Genome position (GRCh38, 1-based): chr17:8,003,643, G>A. VCF-style: chr17-8003643-G-A. GRCh37 (hg19) VCF-style: chr17-7906961-G-A.
Other names: short protein forms R199H.
Identifiers: ClinVar variation 4790911 (VCV004790911.1).

ClinVar aggregate classification (germline): Uncertain significance (1 of 4 stars; one submission).

Conditions:
Leber congenital amaurosis 1 (LCA1). Also called: AMAUROSIS CONGENITA OF LEBER I; RETINAL BLINDNESS, CONGENITAL; Congenital absence of the rods and cones; Leber's congenital tapetoretinal degeneration; Leber's congenital tapetoretinal dysplasia. Identifiers: Orphanet 65, MedGen C2931258, MONDO:0008764, OMIM 204000.
Cone-rod dystrophy 6 (CORD6). Also called: RETINAL CONE DYSTROPHY 2; Cone dystrophy progressive. Identifiers: Orphanet 1872, MedGen C1866293, MONDO:0011143, OMIM 601777.

gnomAD v4.1: 15 of 1,593,848 alleles (0.00094%); highest among the groups gnomAD compares: Non-Finnish European, 0.0011%; no homozygotes.

Submission:

Labcorp Genetics (formerly Invitae), Labcorp
Classification: Uncertain significance for Leber congenital amaurosis 1; Cone-rod dystrophy 6. Last evaluated: 2025-12-08. Review status: criteria provided, single submitter. Criteria: Invitae Variant Classification Sherloc (09022015). Collection method: clinical testing. Allele origin: germline.
Comment: This sequence change replaces arginine, which is basic and polar, with histidine, which is basic and polar, at codon 199 of the GUCY2D protein (p.Arg199His). The frequency data for this variant in the population databases is considered unreliable, as metrics indicate poor data quality at this position in the gnomAD database. This variant has not been reported in the literature in individuals affected with GUCY2D-related conditions. Invitae Evidence Modeling of protein sequence and biophysical properties (such as structural, functional, and spatial information, amino acid conservation, physicochemical variation, residue mobility, and thermodynamic stability) indicates that this missense variant is not expected to disrupt GUCY2D protein function with a negative predictive value of 80%. In summary, the available evidence is currently insufficient to determine the role of this variant in disease. Therefore, it has been classified as a Variant of Uncertain Significance.